The following is an entry in ClinVar:

ClinVar aggregate classification (germline): Uncertain significance (1 of 4 stars; one submission).

Conditions:
Inborn genetic diseases. Identifiers: MedGen C0950123, MeSH D030342.

Submission:

Ambry Genetics
Classification: Uncertain significance for Inborn genetic diseases. Last evaluated: 2024-11-25. Review status: criteria provided, single submitter. Criteria: Ambry Variant Classification Scheme 2023. Collection method: clinical testing. Allele origin: germline.
Comment: The p.T64P variant (also known as c.190A>C), located in coding exon 1 of the G6PC3 gene, results from an A to C substitution at nucleotide position 190. The threonine at codon 64 is replaced by proline, an amino acid with highly similar properties. This amino acid position is conserved. In addition, the in silico prediction for this alteration is inconclusive. Based on the available evidence, the clinical significance of this variant remains unclear.

NM_138387.4(G6PC3):c.190A>C (p.Thr64Pro)

Genes: G6PC3 (glucose-6-phosphatase catalytic subunit 3; plus strand), LOC130060959 (ATAC-STARR-seq lymphoblastoid active region 12250; plus strand). Cytogenetic location: 17q21.31.
Variant type: single nucleotide variant.
Coding change: c.190A>C on transcript NM_138387.4 (MANE Select); coding-DNA position 190, A replaced by C.
Protein change: p.Thr64Pro; replaces threonine 64 with proline.
Molecular consequence: missense variant. On other transcripts: 5 prime UTR variant (3), intron variant (1).
Genome position (GRCh38, 1-based): chr17:44,071,155, A>C. VCF-style: chr17-44071155-A-C. GRCh37 (hg19) VCF-style: chr17-42148523-A-C.
Other names: c.190A>C, p.Thr64Pro (NM_001319945.2); c.-215A>C (NM_001384165.1); c.-350A>C (NM_001384166.1); c.-340A>C (NM_001384167.1); c.-312+441A>C (NM_001384168.1); short protein forms T64P.
Identifiers: ClinVar variation 3518060 (VCV003518060.1).
Genomic context (GRCh38, chr17:44,071,155, plus strand): 5'-CCCGCGGCCTACTACGCCTCCCGCCGTGTGGGCATCGCGGTGCTCTGGATCAGCCTCATC[A>C]CCGAGTGGCTCAACCTCATCTTCAAGTGGTGAGACAGAGAAGCCCTCCGGCATCCTGGTC-3'
Protein context (NP_612396.1, residues 54-74): GIAVLWISLI[Thr64Pro]EWLNLIFKWF